The following is an entry in ClinVar:

ClinVar aggregate classification (germline): Uncertain significance (1 of 4 stars; one submission).

gnomAD v4.1: 1 of 1,612,920 alleles (0.000062%); highest among the groups gnomAD compares: Non-Finnish European, 0.000085%; no homozygotes.

Submission:

GeneDx
Classification: Uncertain significance. Last evaluated: 2024-07-06. Review status: criteria provided, single submitter. Criteria: GeneDx Variant Classification Process June 2021. Collection method: clinical testing. Allele origin: germline. Affected: yes.
Comment: Not observed at significant frequency in large population cohorts (gnomAD); In silico analysis indicates that this missense variant does not alter protein structure/function; Has not been previously published as pathogenic or benign to our knowledge

NM_000142.5(FGFR3):c.1159A>T (p.Ile387Phe)

Gene: FGFR3 (fibroblast growth factor receptor 3; plus strand). Cytogenetic location: 4p16.3.
Variant type: single nucleotide variant.
Coding change: c.1159A>T on transcript NM_000142.5 (MANE Select); coding-DNA position 1159, A replaced by T.
Protein change: p.Ile387Phe; replaces isoleucine 387 with phenylalanine.
Molecular consequence: missense variant. On other transcripts: non-coding transcript variant (1), intron variant (1).
Genome position (GRCh38, 1-based): chr4:1,804,413, A>T. VCF-style: chr4-1804413-A-T. GRCh37 (hg19) VCF-style: chr4-1806140-A-T.
Other names: c.1165A>T, p.Ile389Phe (NM_001163213.2); c.1159A>T, p.Ile387Phe (NM_001354809.2, NM_001354810.2); c.931-411A>T (NM_022965.4); short protein forms I389F, I387F.
Identifiers: ClinVar variation 3393790 (VCV003393790.1).